The following is an entry in ClinVar:

NM_024666.5(AAGAB):c.759dup (p.Thr254fs)

Gene: AAGAB (alpha and gamma adaptin binding protein; minus strand). Cytogenetic location: 15q23.
Variant type: Duplication.
Coding change: c.759dup on transcript NM_024666.5 (MANE Select); coding-DNA position 759, one base duplicated (C; older notation c.759dupC).
Protein change: p.Thr254fs; shifts the reading frame from threonine 254.
Molecular consequence: frameshift variant.
Genome position (GRCh38, 1-based): chr15:67,204,105, G duplicated on the plus strand (C on the coding strand, the reverse complement: AAGAB is on the minus strand); the first of 2 consecutive G bases (chr15:67,204,105-67,204,106); duplicating either gives the same sequence. VCF-style (leftmost placement, unchanged base first): chr15-67204104-T-TG. GRCh37 (hg19) VCF-style: chr15-67496442-T-TG.
Other names: c.432dup, p.Thr145fs (NM_001271885.2, NM_001271886.2); short protein forms T145fs, T254fs.
Identifiers: ClinVar variation 2872740 (VCV002872740.3), dbSNP rs765401006, ClinGen allele CA7626981.

ClinVar aggregate classification (germline): Pathogenic (1 of 4 stars; one submission).

Submission:

Labcorp Genetics (formerly Invitae), Labcorp
Classification: Pathogenic. Last evaluated: 2023-08-10. Review status: criteria provided, single submitter. Criteria: Invitae Variant Classification Sherloc (09022015). Collection method: clinical testing. Allele origin: germline.
Comment: This sequence change creates a premature translational stop signal (p.Thr254Hisfs*10) in the AAGAB gene. It is expected to result in an absent or disrupted protein product. Loss-of-function variants in AAGAB are known to be pathogenic (PMID: 23000146, 23064416, 23563198, 23633024, 24390136). This variant is present in population databases (rs765401006, gnomAD 0.003%). This variant has not been reported in the literature in individuals affected with AAGAB-related conditions. Algorithms developed to predict the effect of sequence changes on RNA splicing suggest that this variant may disrupt the consensus splice site. For these reasons, this variant has been classified as Pathogenic.

Literature cited by the submitters: PubMed 23000146; PubMed 23064416; PubMed 23563198; PubMed 23633024; PubMed 24390136.